The following is an entry in ClinVar:

ClinVar aggregate classification (germline): Uncertain significance (1 of 4 stars; one submission).

Allele frequency attached by ClinVar (database versions not stated): gnomAD exomes below 0.00001.
gnomAD v4.1: 1 of 1,609,652 alleles (0.000062%); highest among the groups gnomAD compares: Non-Finnish European, 0.000085%; no homozygotes.

Submission:

Labcorp Genetics (formerly Invitae), Labcorp
Classification: Uncertain significance. Last evaluated: 2022-08-31. Review status: criteria provided, single submitter. Criteria: Invitae Variant Classification Sherloc (09022015). Collection method: clinical testing. Allele origin: germline.
Comment: In summary, the available evidence is currently insufficient to determine the role of this variant in disease. Therefore, it has been classified as a Variant of Uncertain Significance. Experimental studies and prediction algorithms are not available or were not evaluated, and the effect of this variant on mRNA splicing is currently unknown. This variant has not been reported in the literature in individuals affected with HYOU1-related conditions. This variant is not present in population databases (gnomAD no frequency). This sequence change falls in intron 2 of the HYOU1 gene. It does not directly change the encoded amino acid sequence of the HYOU1 protein.

NM_006389.5(HYOU1):c.91+10C>T

Gene: HYOU1 (hypoxia up-regulated 1; minus strand). Cytogenetic location: 11q23.3.
Variant type: single nucleotide variant.
Coding change: c.91+10C>T on transcript NM_006389.5 (MANE Select); 10 bases into the intron after coding-DNA position 91, C replaced by T.
Molecular consequence: intron variant.
Genome position (GRCh38, 1-based): chr11:119,056,060, G>A on the plus strand (C>T on the coding strand, the complement: HYOU1 is on the minus strand). VCF-style: chr11-119056060-G-A. GRCh37 (hg19) VCF-style: chr11-118926772-G-A.
Other names: c.91+10C>T (NM_001130991.3, NM_001411041.1).
Identifiers: ClinVar variation 2028247 (VCV002028247.4), dbSNP rs2497214923, ClinGen allele CA2580083643.